The following is an entry in ClinVar:

ClinVar aggregate classification (germline): Uncertain significance (1 of 4 stars; one submission).

Conditions:
Dystonic disorder. Also called: Dystonia. Identifiers: MedGen C0013421, MONDO:0003441, HP:0001332.

Allele frequency attached by ClinVar (database versions not stated): gnomAD exomes below 0.00001 and 0.00001.
gnomAD v4.1: 10 of 1,582,104 alleles (0.00063%); highest among the groups gnomAD compares: Middle Eastern, 0.017%; no homozygotes.

Submission:

Labcorp Genetics (formerly Invitae), Labcorp
Classification: Uncertain significance for Dystonic disorder. Last evaluated: 2020-11-11. Review status: criteria provided, single submitter. Criteria: Invitae Variant Classification Sherloc (09022015). Collection method: clinical testing. Allele origin: germline.
Comment: This variant has not been reported in the literature in individuals with ANO3-related conditions. This sequence change falls in intron 25 of the ANO3 gene. It does not directly change the encoded amino acid sequence of the ANO3 protein. It affects a nucleotide within the consensus splice site of the intron. This variant is not present in population databases (ExAC no frequency). Nucleotide substitutions within the consensus splice site are a relatively common cause of aberrant splicing (PMID: 17576681, 9536098). Algorithms developed to predict the effect of sequence changes on RNA splicing suggest that this variant is not likely to affect RNA splicing, but this prediction has not been confirmed by published transcriptional studies. In summary, the available evidence is currently insufficient to determine the role of this variant in disease. Therefore, it has been classified as a Variant of Uncertain Significance.

Literature cited by the submitters: PubMed 17576681; PubMed 9536098.

NM_031418.4(ANO3):c.2658-3C>T

Gene: ANO3 (anoctamin 3; plus strand). Cytogenetic location: 11p14.2.
Variant type: single nucleotide variant.
Coding change: c.2658-3C>T on transcript NM_031418.4 (MANE Select); 3 bases into the intron before coding-DNA position 2658, C replaced by T.
Molecular consequence: intron variant.
Genome position (GRCh38, 1-based): chr11:26,656,373, C>T. VCF-style: chr11-26656373-C-T. GRCh37 (hg19) VCF-style: chr11-26677920-C-T.
Other names: c.2841-3C>T (NM_001313726.2); c.2220-3C>T (NM_001313727.2).
Identifiers: ClinVar variation 1484358 (VCV001484358.6), dbSNP rs1373576004, ClinGen allele CA598389700.